The following is an entry in ClinVar:

NM_001256545.2(MEGF10):c.2476G>A (p.Ala826Thr)

Gene: MEGF10 (multiple EGF like domains 10; plus strand). Cytogenetic location: 5q23.2.
Variant type: single nucleotide variant.
Coding change: c.2476G>A on transcript NM_001256545.2 (MANE Select); coding-DNA position 2476, G replaced by A.
Protein change: p.Ala826Thr; replaces alanine 826 with threonine.
Molecular consequence: missense variant.
Genome position (GRCh38, 1-based): chr5:127,443,111, G>A. VCF-style: chr5-127443111-G-A. GRCh37 (hg19) VCF-style: chr5-126778803-G-A.
Other names: c.2476G>A, p.Ala826Thr (NM_032446.3); short protein forms A826T.
Identifiers: ClinVar variation 3669945 (VCV003669945.2).

ClinVar aggregate classification (germline): Uncertain significance (1 of 4 stars; one submission).

Conditions:
MEGF10-related myopathy (CMYO10A). Also called: Congenital myopathy 10A, severe variant. Identifiers: Orphanet 439212, MedGen C3280679, MONDO:0013731, OMIM 614399.

Submission:

Labcorp Genetics (formerly Invitae), Labcorp
Classification: Uncertain significance for MEGF10-related myopathy. Last evaluated: 2024-08-08. Review status: criteria provided, single submitter. Criteria: Invitae Variant Classification Sherloc (09022015). Collection method: clinical testing. Allele origin: germline.
Comment: This sequence change replaces alanine, which is neutral and non-polar, with threonine, which is neutral and polar, at codon 826 of the MEGF10 protein (p.Ala826Thr). This variant is not present in population databases (gnomAD no frequency). This variant has not been reported in the literature in individuals affected with MEGF10-related conditions. Advanced modeling of protein sequence and biophysical properties (such as structural, functional, and spatial information, amino acid conservation, physicochemical variation, residue mobility, and thermodynamic stability) performed at Invitae indicates that this missense variant is not expected to disrupt MEGF10 protein function with a negative predictive value of 80%. In summary, the available evidence is currently insufficient to determine the role of this variant in disease. Therefore, it has been classified as a Variant of Uncertain Significance.